The following is an entry in ClinVar:

ClinVar aggregate classification (germline): Uncertain significance (1 of 4 stars; one submission).

Conditions:
Dilated cardiomyopathy 1G (CMD1G). Identifiers: Orphanet 154, MedGen C1858763, MONDO:0011400, OMIM 604145.
Autosomal recessive limb-girdle muscular dystrophy type 2J (LGMDR10). Also called: Limb-girdle muscular dystrophy, type 2J; MUSCULAR DYSTROPHY, LIMB-GIRDLE, AUTOSOMAL RECESSIVE 10. Identifiers: Orphanet 140922, MedGen C1837342, MONDO:0012127, OMIM 608807.

gnomAD v4.1: 1 of 1,613,710 alleles (0.000062%); no homozygotes.

Submission:

Labcorp Genetics (formerly Invitae), Labcorp
Classification: Uncertain significance for Dilated cardiomyopathy 1G; Autosomal recessive limb-girdle muscular dystrophy type 2J. Last evaluated: 2025-07-29. Review status: criteria provided, single submitter. Criteria: Invitae Variant Classification Sherloc (09022015). Collection method: clinical testing. Allele origin: germline.
Comment: This sequence change replaces histidine, which is basic and polar, with arginine, which is basic and polar, at codon 33987 of the TTN protein (p.His33987Arg). This variant is not present in population databases (gnomAD no frequency). This variant has not been reported in the literature in individuals affected with TTN-related conditions. Experimental studies and prediction algorithms are not available or were not evaluated, and the functional significance of this variant is currently unknown. This variant is located in the M band of TTN (PMID: 25589632). Non-truncating variants in this region may be relevant for neuromuscular disorders, but have not been definitively shown to cause cardiomyopathy (PMID: 23975875). In summary, the available evidence is currently insufficient to determine the role of this variant in disease. Therefore, it has been classified as a Variant of Uncertain Significance.

Literature cited by the submitters: PubMed 25589632; PubMed 23975875.

NM_001267550.2(TTN):c.101960A>G (p.His33987Arg)

Genes: TTN-AS1 (TTN antisense RNA 1; plus strand), TTN (titin; minus strand). Cytogenetic location: 2q31.2.
Variant type: single nucleotide variant.
Coding change: c.101960A>G on transcript NM_001267550.2 (MANE Select); coding-DNA position 101960, A replaced by G.
Protein change: p.His33987Arg; replaces histidine 33987 with arginine.
Molecular consequence: missense variant.
Genome position (GRCh38, 1-based): chr2:178,534,655, T>C on the plus strand (A>G on the coding strand, the complement: TTN is on the minus strand). VCF-style: chr2-178534655-T-C. GRCh37 (hg19) VCF-style: chr2-179399382-T-C.
Other names: c.97037A>G, p.His32346Arg (NM_001256850.1); c.74765A>G, p.His24922Arg (NM_003319.4); c.94256A>G, p.His31419Arg (NM_133378.4); c.75140A>G, p.His25047Arg (NM_133432.3); c.75341A>G, p.His25114Arg (NM_133437.4); short protein forms H24922R, H25047R, H25114R, H32346R, H33987R, H31419R.
Identifiers: ClinVar variation 4783020 (VCV004783020.1).